The following is an entry in ClinVar:

NM_006269.2(RP1):c.2464G>A (p.Val822Ile)

Gene: RP1 (RP1 axonemal microtubule associated; plus strand). Cytogenetic location: 8q12.1.
Variant type: single nucleotide variant.
Coding change: c.2464G>A on transcript NM_006269.2 (MANE Select); coding-DNA position 2464, G replaced by A.
Protein change: p.Val822Ile; replaces valine 822 with isoleucine.
Molecular consequence: missense variant. On other transcripts: intron variant (1).
Genome position (GRCh38, 1-based): chr8:54,626,346, G>A. VCF-style: chr8-54626346-G-A. GRCh37 (hg19) VCF-style: chr8-55538906-G-A.
Other names: c.787+4058G>A (NM_001375654.1); short protein forms V822I.
Identifiers: ClinVar variation 3249027 (VCV003249027.3).

ClinVar aggregate classification (germline): Uncertain significance. Review status: criteria provided, single submitter (1 of 4 stars). 2 submissions from 2 submitters: Uncertain significance (1). 1 of the submissions does not count toward it. Last evaluated 2024-11-25.

Conditions:
Retinal dystrophy. Also called: Inherited retinal dystrophy. Identifiers: Orphanet 71862, MedGen C0854723, MeSH D058499, MONDO:0019118, HP:0000556.

gnomAD v4.1: 6 of 1,613,370 alleles (0.00037%); highest among the groups gnomAD compares: East Asian, 0.0022%; no homozygotes.

Submissions (2):

Labcorp Genetics (formerly Invitae), Labcorp
Classification: Uncertain significance. Last evaluated: 2024-11-25. Review status: criteria provided, single submitter. Criteria: Invitae Variant Classification Sherloc (09022015). Collection method: clinical testing. Allele origin: germline.
Comment: This sequence change replaces valine, which is neutral and non-polar, with isoleucine, which is neutral and non-polar, at codon 822 of the RP1 protein (p.Val822Ile). This variant is present in population databases (rs202246114, gnomAD 0.006%). This variant has not been reported in the literature in individuals affected with RP1-related conditions. An algorithm developed to predict the effect of missense changes on protein structure and function outputs the following: PolyPhen-2: "Benign". The isoleucine amino acid residue is found in multiple mammalian species, which suggests that this missense change does not adversely affect protein function. In summary, the available evidence is currently insufficient to determine the role of this variant in disease. Therefore, it has been classified as a Variant of Uncertain Significance.

Institute of Human Genetics, Univ. Regensburg, Univ. Regensburg
Classification: Uncertain significance for Retinal dystrophy. Last evaluated: 2021-01-01. Review status: no assertion criteria provided. Criteria: ACMG Guidelines, 2015. Collection method: clinical testing. Allele origin: germline. Affected: yes. Not counted in ClinVar's aggregate classification.